The following is an entry in ClinVar:

NM_020458.4(TTC7A):c.194G>C (p.Gly65Ala)

Gene: TTC7A (tetratricopeptide repeat domain 7A; plus strand). Cytogenetic location: 2p21.
Variant type: single nucleotide variant.
Coding change: c.194G>C on transcript NM_020458.4 (MANE Select); coding-DNA position 194, G replaced by C.
Protein change: p.Gly65Ala; replaces glycine 65 with alanine.
Molecular consequence: missense variant. On other transcripts: 5 prime UTR variant (1).
Genome position (GRCh38, 1-based): chr2:46,950,372, G>C. VCF-style: chr2-46950372-G-C. GRCh37 (hg19) VCF-style: chr2-47177511-G-C.
Other names: c.194G>C, p.Gly65Ala (NM_001288951.2); c.92G>C, p.Gly31Ala (NM_001288953.2); c.-711G>C (NM_001288955.2); c.194G>C (NM_020458.2); short protein forms G65A, G31A.
Identifiers: ClinVar variation 1036922 (VCV001036922.7), dbSNP rs374016606, ClinGen allele CA1647063.
Genomic context (GRCh38, chr2:46,950,372, plus strand): 5'-TTATCCGCCTTGTTCGGGGTTTGCTGCTCTGACCCCTACTTTGCTTTTCAGATGACTTTG[G>C]GAAATTGCTGCTGGCTGAGGCCCTCCTGGAGCAGTGTTTGAAGGAGAACCATGCCAAAAT-3'
Protein context (NP_065191.2, residues 55-75): AFTFPDTDDF[Gly65Ala]KLLLAEALLE

ClinVar aggregate classification (germline): Uncertain significance. Review status: criteria provided, multiple submitters, no conflicts (2 of 4 stars). 2 submissions from 2 submitters: Uncertain significance (2). Last evaluated 2024-06-22.

Conditions:
Multiple gastrointestinal atresias. Also called: Multiple intestinal atresia; FAMILIAL INTESTINAL POLYATRESIA SYNDROME. Identifiers: Orphanet 2300, MedGen C0220744, MONDO:0009465.
Inborn genetic diseases. Identifiers: MedGen C0950123, MeSH D030342.

Allele frequency attached by ClinVar (database versions not stated): gnomAD exomes 0.00001 and 0.00003; ExAC 0.00005; gnomAD 0.00010 and 0.00011; TOPMed 0.00011; 1000 Genomes Project 30x 0.00016; 1000 Genomes Project 0.00020; ESP Exome Variant Server 0.00023.
gnomAD v4.1: 20 of 1,614,020 alleles (0.0012%); highest among the groups gnomAD compares: African/African-American, 0.024%; no homozygotes.

Submissions (2):

Ambry Genetics
Classification: Uncertain significance for Inborn genetic diseases. Last evaluated: 2024-06-22. Review status: criteria provided, single submitter. Criteria: Ambry Variant Classification Scheme 2023. Collection method: clinical testing. Allele origin: germline.

Labcorp Genetics (formerly Invitae), Labcorp
Classification: Uncertain significance for Multiple gastrointestinal atresias. Last evaluated: 2021-09-02. Review status: criteria provided, single submitter. Criteria: Invitae Variant Classification Sherloc (09022015). Collection method: clinical testing. Allele origin: germline.
Comment: This sequence change replaces glycine with alanine at codon 65 of the TTC7A protein (p.Gly65Ala). The glycine residue is weakly conserved and there is a small physicochemical difference between glycine and alanine. This variant is present in population databases (rs374016606, ExAC 0.06%). This variant has not been reported in the literature in individuals affected with TTC7A-related conditions. Algorithms developed to predict the effect of missense changes on protein structure and function (SIFT, PolyPhen-2, Align-GVGD) all suggest that this variant is likely to be tolerated. In summary, the available evidence is currently insufficient to determine the role of this variant in disease. Therefore, it has been classified as a Variant of Uncertain Significance.